The following is an entry in ClinVar:

ClinVar aggregate classification (germline): Uncertain significance. Review status: criteria provided, multiple submitters, no conflicts (2 of 4 stars). 2 submissions from 2 submitters: Uncertain significance (2). Last evaluated 2025-08-02.

Conditions:
Neutropenia, severe congenital, 2, autosomal dominant. Identifiers: Orphanet 486, MedGen C2751288, MONDO:0013139, OMIM 613107.

Allele frequency attached by ClinVar (database versions not stated): gnomAD exomes below 0.00001.
gnomAD v4.1: 1 of 1,614,120 alleles (0.000062%); highest among the groups gnomAD compares: Non-Finnish European, 0.000085%; no homozygotes.

Submissions (2):

Ambry Genetics
Classification: Uncertain significance. Last evaluated: 2025-08-02. Review status: criteria provided, single submitter. Criteria: Ambry Variant Classification Scheme 2023. Collection method: clinical testing. Allele origin: germline.
Comment: The p.E81K variant (also known as c.241G>A), located in coding exon 2 of the GFI1 gene, results from a G to A substitution at nucleotide position 241. The glutamic acid at codon 81 is replaced by lysine, an amino acid with similar properties. This amino acid position is conserved. In addition, this alteration is predicted to be tolerated by in silico analysis. Based on the available evidence, the clinical significance of this variant remains unclear.

Labcorp Genetics (formerly Invitae), Labcorp
Classification: Uncertain significance for Neutropenia, severe congenital, 2, autosomal dominant. Last evaluated: 2023-01-21. Review status: criteria provided, single submitter. Criteria: Invitae Variant Classification Sherloc (09022015). Collection method: clinical testing. Allele origin: germline.
Comment: This sequence change replaces glutamic acid, which is acidic and polar, with lysine, which is basic and polar, at codon 81 of the GFI1 protein (p.Glu81Lys). In summary, the available evidence is currently insufficient to determine the role of this variant in disease. Therefore, it has been classified as a Variant of Uncertain Significance. Advanced modeling of protein sequence and biophysical properties (such as structural, functional, and spatial information, amino acid conservation, physicochemical variation, residue mobility, and thermodynamic stability) performed at Invitae indicates that this missense variant is not expected to disrupt GFI1 protein function. This variant has not been reported in the literature in individuals affected with GFI1-related conditions. This variant is not present in population databases (gnomAD no frequency).

NM_005263.5(GFI1):c.241G>A (p.Glu81Lys)

Gene: GFI1 (growth factor independent 1 transcriptional repressor; minus strand). Cytogenetic location: 1p22.1.
Variant type: single nucleotide variant.
Coding change: c.241G>A on transcript NM_005263.5 (MANE Select); coding-DNA position 241, G replaced by A.
Protein change: p.Glu81Lys; replaces glutamic acid 81 with lysine.
Molecular consequence: missense variant.
Genome position (GRCh38, 1-based): chr1:92,482,921, C>T on the plus strand (G>A on the coding strand, the complement: GFI1 is on the minus strand). VCF-style: chr1-92482921-C-T. GRCh37 (hg19) VCF-style: chr1-92948478-C-T.
Other names: c.241G>A, p.Glu81Lys (NM_001127215.3, NM_001127216.3); short protein forms E81K.
Identifiers: ClinVar variation 2988709 (VCV002988709.4), dbSNP rs2524738222, ClinGen allele CA341150397.
Genomic context (GRCh38, chr1:92,482,921, plus strand): 5'-TACCTGGAGACGCGGAGGGTGACGGGGGCCTCCAGAAGTCCTCAAACTCCGAGCTCCGTT[C>T]GCAGACGCTGCCTTCGCAGCTGTCTGGGGATGCGGAGGCTCTGTCTGGGGCTTCGGTCAG-3'
Protein context (NP_005254.2, residues 71-91): SPDSCEGSVC[Glu81Lys]RSSEFEDFWR